The following is an entry in ClinVar:

NM_001105206.3(LAMA4):c.3122C>A (p.Ala1041Asp)

Gene: LAMA4 (laminin subunit alpha 4; minus strand). Cytogenetic location: 6q21.
Variant type: single nucleotide variant.
Coding change: c.3122C>A on transcript NM_001105206.3 (MANE Select); coding-DNA position 3122, C replaced by A.
Protein change: p.Ala1041Asp; replaces alanine 1041 with aspartic acid.
Molecular consequence: missense variant.
Genome position (GRCh38, 1-based): chr6:112,139,280, G>T on the plus strand (C>A on the coding strand, the complement: LAMA4 is on the minus strand). VCF-style: chr6-112139280-G-T. GRCh37 (hg19) VCF-style: chr6-112460482-G-T.
Other names: p.A1034D:GCC>GAC; c.3101C>A, p.Ala1034Asp (NM_001105207.3, NM_002290.5); short protein forms A1034D, A1041D.
Identifiers: ClinVar variation 213591 (VCV000213591.11), dbSNP rs863223687, ClinGen allele CA319872.
Genomic context (GRCh38, chr6:112,139,280, plus strand): 5'-CTCACCACGGCATAACCGGAGCCATCGAAGAAGTAACTGGCAGCCCGACTCTGAGTGAAG[G>T]CCAGCTTATCTCTGAAATGGAAACACAACGGTCATTTGAACACTACAGTTTCTGTTATGC-3'
Protein context (NP_001098676.2, residues 1031-1051): TSVPCARDKL[Ala1041Asp]FTQSRAASYF

ClinVar aggregate classification (germline): Uncertain significance. Review status: criteria provided, multiple submitters, no conflicts (2 of 4 stars). 3 submissions from 3 submitters: Uncertain significance (3). Last evaluated 2025-08-03.

Conditions:
Cardiovascular phenotype. Identifiers: MedGen CN230736.
Dilated cardiomyopathy 1JJ (CMD1JJ). Identifiers: Orphanet 154, MedGen C3808935, MONDO:0014095, OMIM 615235.

Allele frequency attached by ClinVar (database versions not stated): gnomAD exomes below 0.00001.
gnomAD v4.1: 2 of 1,614,182 alleles (0.00012%); highest among the groups gnomAD compares: Non-Finnish European, 0.00017%; no homozygotes.

Submissions (3):

Ambry Genetics
Classification: Uncertain significance for Cardiovascular phenotype. Last evaluated: 2025-08-03. Review status: criteria provided, single submitter. Criteria: Ambry Variant Classification Scheme 2023. Collection method: clinical testing. Allele origin: germline.
Comment: The p.A1034D variant (also known as c.3101C>A), located in coding exon 23 of the LAMA4 gene, results from a C to A substitution at nucleotide position 3101. The alanine at codon 1034 is replaced by aspartic acid, an amino acid with dissimilar properties. This amino acid position is conserved. In addition, the in silico prediction for this alteration is inconclusive. Based on the available evidence, the clinical significance of this variant remains unclear.

Labcorp Genetics (formerly Invitae), Labcorp
Classification: Uncertain significance for Dilated cardiomyopathy 1JJ. Last evaluated: 2023-11-24. Review status: criteria provided, single submitter. Criteria: Invitae Variant Classification Sherloc (09022015). Collection method: clinical testing. Allele origin: germline.
Comment: This sequence change replaces alanine, which is neutral and non-polar, with aspartic acid, which is acidic and polar, at codon 1034 of the LAMA4 protein (p.Ala1034Asp). This variant is present in population databases (no rsID available, gnomAD 0.0009%). This variant has not been reported in the literature in individuals affected with LAMA4-related conditions. ClinVar contains an entry for this variant (Variation ID: 213591). An algorithm developed to predict the effect of missense changes on protein structure and function (PolyPhen-2) suggests that this variant is likely to be disruptive. In summary, the available evidence is currently insufficient to determine the role of this variant in disease. Therefore, it has been classified as a Variant of Uncertain Significance.

GeneDx
Classification: Uncertain significance. Last evaluated: 2022-09-28. Review status: criteria provided, single submitter. Criteria: GeneDx Variant Classification Process June 2021. Collection method: clinical testing. Allele origin: germline. Affected: yes.
Comment: Has not been previously published as pathogenic or benign to our knowledge; Not observed at significant frequency in large population cohorts (gnomAD); In silico analysis supports that this missense variant does not alter protein structure/function